The following is an entry in ClinVar:

NM_152296.5(ATP1A3):c.23A>G (p.Lys8Arg)

Gene: ATP1A3 (ATPase Na+/K+ transporting subunit alpha 3; minus strand). Cytogenetic location: 19q13.2.
Variant type: single nucleotide variant.
Coding change: c.23A>G on transcript NM_152296.5 (MANE Select); coding-DNA position 23, A replaced by G.
Protein change: p.Lys8Arg; replaces lysine 8 with arginine.
Molecular consequence: missense variant.
Genome position (GRCh38, 1-based): chr19:41,988,546, T>C on the plus strand (A>G on the coding strand, the complement: ATP1A3 is on the minus strand). VCF-style: chr19-41988546-T-C. GRCh37 (hg19) VCF-style: chr19-42492698-T-C.
Other names: c.56A>G, p.Lys19Arg (NM_001256213.2); c.62A>G, p.Lys21Arg (NM_001256214.2); short protein forms K19R, K21R, K8R.
Identifiers: ClinVar variation 3686195 (VCV003686195.2).

ClinVar aggregate classification (germline): Uncertain significance (1 of 4 stars; one submission).

Conditions:
Dystonia 12 (DYT12). Also called: Rapid-Onset Dystonia-Parkinsonism (RDP); DYT-ATP1A3. Identifiers: Orphanet 71517, MedGen C1868681, MONDO:0007496, OMIM 128235.

Submission:

Labcorp Genetics (formerly Invitae), Labcorp
Classification: Uncertain significance for Dystonia 12. Last evaluated: 2025-01-11. Review status: criteria provided, single submitter. Criteria: Invitae Variant Classification Sherloc (09022015). Collection method: clinical testing. Allele origin: germline.
Comment: This sequence change replaces lysine, which is basic and polar, with arginine, which is basic and polar, at codon 8 of the ATP1A3 protein (p.Lys8Arg). This variant is not present in population databases (gnomAD no frequency). This variant has not been reported in the literature in individuals affected with ATP1A3-related conditions. Invitae Evidence Modeling of protein sequence and biophysical properties (such as structural, functional, and spatial information, amino acid conservation, physicochemical variation, residue mobility, and thermodynamic stability) indicates that this missense variant is not expected to disrupt ATP1A3 protein function with a negative predictive value of 95%. In summary, the available evidence is currently insufficient to determine the role of this variant in disease. Therefore, it has been classified as a Variant of Uncertain Significance.